The following is an entry in ClinVar:

ClinVar aggregate classification (germline): Uncertain significance (1 of 4 stars; one submission).

Conditions:
Inborn genetic diseases. Identifiers: MedGen C0950123, MeSH D030342.

Submission:

Ambry Genetics
Classification: Uncertain significance for Inborn genetic diseases. Last evaluated: 2026-03-11. Review status: criteria provided, single submitter. Criteria: Ambry Variant Classification Scheme 2023. Collection method: clinical testing. Allele origin: germline.
Comment: The p.E434K variant (also known as c.1300G>A), located in coding exon 13 of the FUS gene, results from a G to A substitution at nucleotide position 1300. The glutamic acid at codon 434 is replaced by lysine, an amino acid with similar properties. This amino acid position is conserved. In addition, this alteration is predicted to be tolerated by in silico analysis. Based on the available evidence, the clinical significance of this variant remains unclear.

NM_004960.4(FUS):c.1300G>A (p.Glu434Lys)

Gene: FUS (FUS RNA binding protein; plus strand). Cytogenetic location: 16p11.2.
Variant type: single nucleotide variant.
Coding change: c.1300G>A on transcript NM_004960.4 (MANE Select); coding-DNA position 1300, G replaced by A.
Protein change: p.Glu434Lys; replaces glutamic acid 434 with lysine.
Molecular consequence: missense variant. On other transcripts: non-coding transcript variant (1).
Genome position (GRCh38, 1-based): chr16:31,190,749, G>A. VCF-style: chr16-31190749-G-A. GRCh37 (hg19) VCF-style: chr16-31202070-G-A.
Other names: c.1297G>A, p.Glu433Lys (NM_001170634.1); c.1288G>A, p.Glu430Lys (NM_001170937.1); short protein forms E433K, E430K, E434K.
Identifiers: ClinVar variation 4826577 (VCV004826577.1).